The following is an entry in ClinVar:

NM_024408.4(NOTCH2):c.388G>A (p.Glu130Lys)

Gene: NOTCH2 (notch receptor 2; minus strand). Cytogenetic location: 1p12.
Variant type: single nucleotide variant.
Coding change: c.388G>A on transcript NM_024408.4 (MANE Select); coding-DNA position 388, G replaced by A.
Protein change: p.Glu130Lys; replaces glutamic acid 130 with lysine.
Molecular consequence: missense variant.
Genome position (GRCh38, 1-based): chr1:120,005,356, C>T on the plus strand (G>A on the coding strand, the complement: NOTCH2 is on the minus strand). VCF-style: chr1-120005356-C-T. GRCh37 (hg19) VCF-style: chr1-120547979-C-T.
Other names: c.388G>A, p.Glu130Lys (NM_001200001.2); short protein forms E130K.
Identifiers: ClinVar variation 4879542 (VCV004879542.1).

ClinVar aggregate classification (germline): Uncertain significance (1 of 4 stars; one submission).

Conditions:
Alagille syndrome due to a NOTCH2 point mutation. Also called: Alagille syndrome 2. Identifiers: Orphanet 261629, Orphanet 52, MedGen C1857761, MONDO:0012439, OMIM 610205.

Submission:

Clinical Genomics Laboratory, Washington University in St. Louis
Classification: Uncertain significance for Alagille syndrome due to a NOTCH2 point mutation. Last evaluated: 2025-11-30. Review status: criteria provided, single submitter. Criteria: ACMG Guidelines, 2015. Collection method: clinical testing. Allele origin: germline.
Comment: The NOTCH2 c.388G>A (p.Glu130Lys) variant, to our knowledge, has not been reported in the medical literature. This variant is only observed in 15/1,614,042 alleles in the general population (gnomAD v4.1.0), indicating it is not a common variant. This variant resides within the cbEGF domain of NOTCH2 that is defined as a critical functional domain (Mašek J and Andersson ER. PMID: 20301450). However, computational predictors suggest that the variant does not impact NOTCH2 function. Due to limited information, and based on ACMG/AMP guidelines for variant interpretation (Richards S et al., PMID: 25741868), the clinical significance of this variant is uncertain at this time.